The following is an entry in ClinVar:

ClinVar aggregate classification (germline): Conflicting classifications of pathogenicity. Review status: criteria provided, conflicting classifications (1 of 4 stars). 6 submissions from 6 submitters: Pathogenic (1); Likely pathogenic (3); Uncertain significance (1). 1 of the submissions does not count toward it. Last evaluated 2023-08-31.

Conditions:
TUBB4A-related disorder. Also called: TUBB4A-related condition.
Leukodystrophy, hypomyelinating, 6. Also called: TUBB4A-Associated Leukodystrophy; Hypomyelination with Atrophy of Basal Ganglia and Cerebellum (H-ABC); LEUKODYSTROPHY, HYPOMYELINATING, WITH ATROPHY OF THE BASAL GANGLIA AND CEREBELLUM. Identifiers: Orphanet 139441, MedGen C2676244, MONDO:0012905, OMIM 612438.

Submissions (6):

GeneDx
Classification: Pathogenic. Last evaluated: 2023-08-31. Review status: criteria provided, single submitter. Criteria: GeneDx Variant Classification Process June 2021. Collection method: clinical testing. Allele origin: germline. Affected: yes.
Comment: Not observed at significant frequency in large population cohorts (gnomAD); In silico analysis supports that this missense variant has a deleterious effect on protein structure/function; This variant is associated with the following publications: (PMID: 26643067, 24785942, 25168210, 27809427, 26934450, 33597727)

Labcorp Genetics (formerly Invitae), Labcorp
Classification: Uncertain significance for Leukodystrophy, hypomyelinating, 6. Last evaluated: 2022-07-29. Review status: criteria provided, single submitter. Criteria: Invitae Variant Classification Sherloc (09022015). Collection method: clinical testing. Allele origin: germline.
Comment: In summary, the available evidence is currently insufficient to determine the role of this variant in disease. Therefore, it has been classified as a Variant of Uncertain Significance. Algorithms developed to predict the effect of missense changes on protein structure and function are either unavailable or do not agree on the potential impact of this missense change (SIFT: "Deleterious"; PolyPhen-2: "Possibly Damaging"; Align-GVGD: "Class C0"). ClinVar contains an entry for this variant (Variation ID: 267791). This missense change has been observed in individual(s) with hypomyelinating leukodystrophy (PMID: 24785942). This variant is not present in population databases (gnomAD no frequency). This sequence change replaces methionine, which is neutral and non-polar, with threonine, which is neutral and polar, at codon 388 of the TUBB4A protein (p.Met388Thr).

Institute for Clinical Genetics, University Hospital TU Dresden, University Hospital TU Dresden
Classification: Likely pathogenic. Last evaluated: 2021-11-03. Review status: criteria provided, single submitter. Criteria: ACMG Guidelines, 2015. Collection method: clinical testing. Allele origin: germline.

Molecular Diagnostics Lab, Nemours Children's Health, Delaware
Classification: Likely pathogenic for Leukodystrophy, hypomyelinating, 6. Last evaluated: 2020-12-28. Review status: criteria provided, single submitter. Criteria: ACMG Guidelines, 2015. Collection method: clinical testing. Allele origin: unknown. Inheritance: Autosomal dominant inheritance. Affected: yes. Observed: 1 heterozygote.
Comment: This missense variant (c.1163T>C, p.Met388Thr) has not been observed in population databases (gnomAD). The change has been reported in the literature (PMID 24785942, PMID 25168210). Variant prediction programs suggest a deleterious effect, although no functional studies have been published.

Blueprint Genetics
Classification: Likely pathogenic for TUBB4A-related disorders. Last evaluated: 2020-01-13. Review status: criteria provided, single submitter. Criteria: ACMG Guidelines, 2015. Collection method: clinical testing. Allele origin: germline. Affected: yes. Observed: 1 variant allele.

GeneReviews
No classification provided. Condition: Leukodystrophy, hypomyelinating, 6. Review status: no classification provided. Collection method: literature only. Allele origin: germline. Affected: yes. Not counted in ClinVar's aggregate classification.

Literature cited by the submitters: PubMed 24785942 (cited by 3 submitters); PubMed 25168210 (cited by Molecular Diagnostics Lab, Nemours Children's Health, Delaware); NCBI Bookshelf NBK395611 (cited by GeneReviews).

NM_006087.4(TUBB4A):c.1163T>C (p.Met388Thr)

Gene: TUBB4A (tubulin beta 4A class IVa; minus strand). Cytogenetic location: 19p13.3.
Variant type: single nucleotide variant.
Coding change: c.1163T>C on transcript NM_006087.4 (MANE Select); coding-DNA position 1163, T replaced by C.
Protein change: p.Met388Thr; replaces methionine 388 with threonine.
Molecular consequence: missense variant.
Genome position (GRCh38, 1-based): chr19:6,495,336, A>G on the plus strand (T>C on the coding strand, the complement: TUBB4A is on the minus strand). VCF-style: chr19-6495336-A-G. GRCh37 (hg19) VCF-style: chr19-6495347-A-G.
Other names: c.1316T>C, p.Met439Thr (NM_001289123.2); c.1298T>C, p.Met433Thr (NM_001289127.2); c.1163T>C, p.Met388Thr (NM_001289129.2); c.947T>C, p.Met316Thr (NM_001289130.2, NM_001289131.2); short protein forms M439T, M388T, M316T, M433T.
Identifiers: ClinVar variation 267791 (VCV000267791.12), dbSNP rs886041020, ClinGen allele CA10602619.